The following is an entry in ClinVar:

NC_000008.10:g.(?_90994930)_(90996789_?)del

Gene: NBN (nibrin; minus strand). Cytogenetic location: 8q21.3.
Variant type: Deletion.
Identifiers: ClinVar variation 3245493 (VCV003245493.1).

ClinVar aggregate classification (germline): Pathogenic (1 of 4 stars; one submission).

Conditions:
Microcephaly, normal intelligence and immunodeficiency (NBS). Also called: BERLIN BREAKAGE SYNDROME; Immunodeficiency, microcephaly with normal intelligence; IMMUNODEFICIENCY, MICROCEPHALY, AND CHROMOSOMAL INSTABILITY; SEEMANOVA SYNDROME II; Nijmegen breakage syndrome; Microcephaly with normal intelligence immunodeficiency and lymphoreticular malignancies. Identifiers: Orphanet 647, MedGen C0398791, MONDO:0009623, OMIM 251260.

Submission:

Labcorp Genetics (formerly Invitae), Labcorp
Classification: Pathogenic for Microcephaly, normal intelligence and immunodeficiency. Last evaluated: 2023-06-05. Review status: criteria provided, single submitter. Criteria: Invitae Variant Classification Sherloc (09022015). Collection method: clinical testing. Allele origin: unknown.
Comment: For these reasons, this variant has been classified as Pathogenic. This variant has not been reported in the literature in individuals affected with NBN-related conditions. This variant is a gross deletion of the genomic region encompassing exon(s) 1-2 of the NBN gene, which includes the initiator codon. This deletion extends beyond the assayed region for this gene and therefore may encompass additional genes. It is expected to result in an absent or disrupted protein product. Loss-of-function variants in NBN are known to be pathogenic (PMID: 9590180, 16415040).

Literature cited by the submitters: PubMed 9590180; PubMed 16415040.